The following is an entry in ClinVar:

NM_000038.6(APC):c.383_384insTTC (p.Arg128delinsSerSer)

Gene: APC (APC regulator of Wnt signaling pathway; plus strand). Cytogenetic location: 5q22.2.
Variant type: Insertion.
Coding change: c.383_384insTTC on transcript NM_000038.6 (MANE Select); coding-DNA positions 383 to 384, TTC inserted.
Protein change: p.Arg128delinsSerSer.
Molecular consequence: inframe indel. On other transcripts: 5 prime UTR variant (1).
Genome position: GRCh38 VCF-style: chr5-112767351-G-GTTC. GRCh37 (hg19) VCF-style: chr5-112103048-G-GTTC.
Other names: c.383_384insTTC, p.Arg128delinsSerSer (NM_001127510.3, NM_001354895.2, NM_001354896.2 and 16 more transcripts); c.413_414insTTC, p.Arg138delinsSerSer (NM_001127511.3, NM_001354897.2, NM_001354902.2 and 1 more transcripts); c.308_309insTTC, p.Arg103delinsSerSer (NM_001354898.2, NM_001354904.2, NM_001407451.1); c.206_207insTTC, p.Arg69delinsSerSer (NM_001354900.2, NM_001354901.2, NM_001354905.2 and 1 more transcripts); c.-653_-652insTTC (NM_001354906.2, NM_001407470.1, NM_001407471.1 and 1 more transcripts).
Identifiers: ClinVar variation 1735347 (VCV001735347.2), dbSNP rs771037081, ClinGen allele CA036772.
Genomic context (GRCh38, chr5:112,767,351, plus strand): 5'-GAGAGTGCAGTCCTGTTCCTATGGGTTCATTTCCAAGAAGAGGGTTTGTAAATGGAAGCA[G>GTTC]AGAAAGTACTGGATATTTAGAAGAACTTGAGAAAGAGAGGTAACTTTTCTTCATATAGTA-3'

ClinVar aggregate classification (germline): Uncertain significance (1 of 4 stars; one submission).

Conditions:
Hereditary cancer-predisposing syndrome. Also called: Neoplastic Syndromes, Hereditary; Tumor predisposition; Hereditary Cancer Syndrome; Hereditary neoplastic syndrome. Identifiers: Orphanet 140162, MedGen C0027672, MeSH D009386, MONDO:0015356.

Allele frequency attached by ClinVar (database versions not stated): gnomAD exomes below 0.00001; ExAC 0.00001.

Submission:

Ambry Genetics
Classification: Uncertain significance for Hereditary cancer-predisposing syndrome. Last evaluated: 2021-08-09. Review status: criteria provided, single submitter. Criteria: Ambry Variant Classification Scheme 2023. Collection method: clinical testing. Allele origin: germline.
Comment: The c.383_384insTTC variant (also known as p.R128delinsSS), located in coding exon 3 of the APC gene, results from an in-frame TTC insertion at nucleotide positions 383 to 384. This results in the deletion of the arginine residue at codon 128 and insertion of two serine residues. This amino acid position is highly conserved in available vertebrate species. In addition, the in silico prediction for this alteration is inconclusive (Choi Y et al. PLoS ONE. 2012; 7(10):e46688). Since supporting evidence is limited at this time, the clinical significance of this alteration remains unclear.